The following is an entry in ClinVar:

ClinVar aggregate classification (germline): Uncertain significance (1 of 4 stars; one submission).

Conditions:
Hereditary cancer-predisposing syndrome. Also called: Neoplastic Syndromes, Hereditary; Tumor predisposition; Hereditary Cancer Syndrome; Hereditary neoplastic syndrome. Identifiers: Orphanet 140162, MedGen C0027672, MeSH D009386, MONDO:0015356.

gnomAD v4.1: 1 of 1,608,734 alleles (0.000062%); no homozygotes.

Submission:

Ambry Genetics
Classification: Uncertain significance for Hereditary cancer-predisposing syndrome. Last evaluated: 2024-11-28. Review status: criteria provided, single submitter. Criteria: Ambry Variant Classification Scheme 2023. Collection method: clinical testing. Allele origin: germline.
Comment: The p.A223V variant (also known as c.668C>T), located in coding exon 5 of the POLD1 gene, results from a C to T substitution at nucleotide position 668. The alanine at codon 223 is replaced by valine, an amino acid with similar properties. This amino acid position is conserved. In addition, this alteration is predicted to be tolerated by in silico analysis. Based on the available evidence, the clinical significance of this variant remains unclear.

NM_002691.4(POLD1):c.668C>T (p.Ala223Val)

Gene: POLD1 (DNA polymerase delta 1, catalytic subunit; plus strand). Cytogenetic location: 19q13.33.
Variant type: single nucleotide variant.
Coding change: c.668C>T on transcript NM_002691.4 (MANE Select); coding-DNA position 668, C replaced by T.
Protein change: p.Ala223Val; replaces alanine 223 with valine.
Molecular consequence: missense variant. On other transcripts: non-coding transcript variant (1).
Genome position (GRCh38, 1-based): chr19:50,402,283, C>T. VCF-style: chr19-50402283-C-T. GRCh37 (hg19) VCF-style: chr19-50905540-C-T.
Other names: c.668C>T, p.Ala223Val (NM_001256849.1, NM_001308632.1); short protein forms A223V.
Identifiers: ClinVar variation 3422018 (VCV003422018.1).